The following is an entry in ClinVar:

NM_182924.4(MICALL2):c.2572C>T (p.Leu858=)

Gene: MICALL2 (MICAL like 2; minus strand). Cytogenetic location: 7p22.3.
Variant type: single nucleotide variant.
Coding change: c.2572C>T on transcript NM_182924.4 (MANE Select); coding-DNA position 2572, C replaced by T.
Protein change: p.Leu858=; no amino-acid change (leucine 858 retained).
Molecular consequence: synonymous variant.
Genome position (GRCh38, 1-based): chr7:1,436,761, G>A on the plus strand (C>T on the coding strand, the complement: MICALL2 is on the minus strand). VCF-style: chr7-1436761-G-A. GRCh37 (hg19) VCF-style: chr7-1476397-G-A.
Identifiers: ClinVar variation 783001 (VCV000783001.27), dbSNP rs145721481, ClinGen allele CA4116635.

ClinVar aggregate classification (germline): Benign/Likely benign. Review status: criteria provided, multiple submitters, no conflicts (2 of 4 stars). 2 submissions from 2 submitters: Benign (1); Likely benign (1). Last evaluated 2023-05-01.

Allele frequency attached by ClinVar (database versions not stated): 1000 Genomes Project 30x 0.00078; 1000 Genomes Project 0.00100; gnomAD 0.00303 and 0.00317; TOPMed 0.00304; ESP Exome Variant Server 0.00392.
gnomAD v4.1: 6,874 of 1,607,282 alleles (0.43%); highest among the groups gnomAD compares: Non-Finnish European, 0.53%; 17 homozygotes.

Submissions (2):

CeGaT Center for Human Genetics Tuebingen
Classification: Likely benign. Last evaluated: 2023-05-01. Review status: criteria provided, single submitter. Criteria: CeGaT Center For Human Genetics Tuebingen Variant Classification Criteria Version 2. Collection method: clinical testing. Allele origin: germline. Affected: yes. Observed: 1 variant allele.
Comment: MICALL2: BP4, BP7

Labcorp Genetics (formerly Invitae), Labcorp
Classification: Benign. Last evaluated: 2018-06-26. Review status: criteria provided, single submitter. Criteria: Invitae Variant Classification Sherloc (09022015). Collection method: clinical testing. Allele origin: germline.